The following is an entry in ClinVar:

NM_018706.7(DHTKD1):c.1709A>G (p.Asp570Gly)

Gene: DHTKD1 (dehydrogenase E1 and transketolase domain containing 1; plus strand). Cytogenetic location: 10p14.
Variant type: single nucleotide variant.
Coding change: c.1709A>G on transcript NM_018706.7 (MANE Select); coding-DNA position 1709, A replaced by G.
Protein change: p.Asp570Gly; replaces aspartic acid 570 with glycine.
Molecular consequence: missense variant.
Genome position (GRCh38, 1-based): chr10:12,100,215, A>G. VCF-style: chr10-12100215-A-G. GRCh37 (hg19) VCF-style: chr10-12142214-A-G.
Other names: short protein forms D570G.
Identifiers: ClinVar variation 2507281 (VCV002507281.4), dbSNP rs755956888, ClinGen allele CA5407934.
Genomic context (GRCh38, chr10:12,100,215, plus strand): 5'-TTTTCTTCCTCTGAATTTTACAGTCCAGAATGGAGAAGATGATGGACGGAATCAAGCTAG[A>G]CTGGGCCACCGCGGAAGCTCTTGCCTTGGGTTCTTTACTTGCTCAAGGTAAGAATTTTCT-3'
Protein context (NP_061176.4, residues 560-580): MEKMMDGIKL[Asp570Gly]WATAEALALG

ClinVar aggregate classification (germline): Uncertain significance. Review status: criteria provided, multiple submitters, no conflicts (2 of 4 stars). 2 submissions from 2 submitters: Uncertain significance (2). Last evaluated 2023-05-30.

Conditions:
2-aminoadipic 2-oxoadipic aciduria (AAKAD). Also called: ALPHA-AMINOADIPIC AND ALPHA-KETOADIPIC ACIDURIA; Aminoadipic aciduria. Identifiers: Orphanet 79154, MedGen C1859817, MONDO:0008774, OMIM 204750.

Allele frequency attached by ClinVar (database versions not stated): ExAC 0.00001; gnomAD 0.00001.
gnomAD v4.1: 5 of 1,594,414 alleles (0.00031%); highest among the groups gnomAD compares: African/African-American, 0.0014%; no homozygotes.

Submissions (2):

Labcorp Genetics (formerly Invitae), Labcorp
Classification: Uncertain significance for 2-aminoadipic 2-oxoadipic aciduria. Last evaluated: 2023-05-30. Review status: criteria provided, single submitter. Criteria: Invitae Variant Classification Sherloc (09022015). Collection method: clinical testing. Allele origin: germline.
Comment: In summary, the available evidence is currently insufficient to determine the role of this variant in disease. Therefore, it has been classified as a Variant of Uncertain Significance. Advanced modeling of protein sequence and biophysical properties (such as structural, functional, and spatial information, amino acid conservation, physicochemical variation, residue mobility, and thermodynamic stability) performed at Invitae indicates that this missense variant is not expected to disrupt DHTKD1 protein function. This missense change has been observed in individual(s) with clinical features of Charcot-Marie-Tooth disease (PMID: 29653220). The frequency data for this variant in the population databases is considered unreliable, as metrics indicate poor data quality at this position in the gnomAD database. This sequence change replaces aspartic acid, which is acidic and polar, with glycine, which is neutral and non-polar, at codon 570 of the DHTKD1 protein (p.Asp570Gly).

GeneDx
Classification: Uncertain significance. Last evaluated: 2022-12-28. Review status: criteria provided, single submitter. Criteria: GeneDx Variant Classification Process June 2021. Collection method: clinical testing. Allele origin: germline. Affected: yes.
Comment: Reported in heterozygous state as a variant of uncertain significance in a patient with polyneuritis and suspected CMT (Vaeth et al., 2019); In silico analysis supports that this missense variant has a deleterious effect on protein structure/function; This variant is associated with the following publications: (PMID: 29653220)

Literature cited by the submitters: PubMed 29653220 (cited by Labcorp Genetics (formerly Invitae), Labcorp).